The following is an entry in ClinVar:

NM_014049.5(ACAD9):c.1405C>T (p.Arg469Trp)

Gene: ACAD9 (acyl-CoA dehydrogenase family member 9; plus strand). Cytogenetic location: 3q21.3.
Variant type: single nucleotide variant.
Coding change: c.1405C>T on transcript NM_014049.5 (MANE Select); coding-DNA position 1405, C replaced by T.
Protein change: p.Arg469Trp; replaces arginine 469 with tryptophan.
Molecular consequence: missense variant. On other transcripts: non-coding transcript variant (1).
Genome position (GRCh38, 1-based): chr3:128,909,019, C>T. VCF-style: chr3-128909019-C-T. GRCh37 (hg19) VCF-style: chr3-128627862-C-T.
Other names: short protein forms R469W.
Identifiers: ClinVar variation 214007 (VCV000214007.72), dbSNP rs139145143, ClinGen allele CA324526.
Genomic context (GRCh38, chr3:128,909,019, plus strand): 5'-TGGACTTTCTGCAGTGAGCTTAAACAGGCCAAAGTGAGCACAGTCATGGATACCGTTGGC[C>T]GGAGGCTTCGGGACTCCCTGGGCCGAACTGTGGACCTGGGGCTGACAGGCAACCATGGAG-3'
Protein context (NP_054768.2, residues 459-479): KVSTVMDTVG[Arg469Trp]RLRDSLGRTV

ClinVar aggregate classification (germline): Conflicting classifications of pathogenicity. Review status: criteria provided, conflicting classifications (1 of 4 stars). 12 submissions from 12 submitters: Likely pathogenic (2); Uncertain significance (7); Likely benign (1). 2 of the submissions do not count toward it. Last evaluated 2026-01-24.

Conditions:
Acyl-CoA dehydrogenase 9 deficiency. Also called: MITOCHONDRIAL COMPLEX I DEFICIENCY, NUCLEAR TYPE 20; Acyl-CoA dehydrogenase family, member 9, deficiency of. Identifiers: Orphanet 99901, MedGen C4747517, MONDO:0012624, OMIM 611126.

Allele frequency attached by ClinVar (database versions not stated): 1000 Genomes Project 30x 0.00016; 1000 Genomes Project 0.00020; ExAC 0.00022; ESP Exome Variant Server 0.00031; gnomAD exomes 0.00040 and 0.00078; gnomAD 0.00042; TOPMed 0.00042.
gnomAD v4.1: 1,172 of 1,614,176 alleles (0.073%); highest among the groups gnomAD compares: Non-Finnish European, 0.096%; 2 homozygotes.

Submissions (12):

Labcorp Genetics (formerly Invitae), Labcorp
Classification: Likely pathogenic. Last evaluated: 2026-01-24. Review status: criteria provided, single submitter. Criteria: Invitae Variant Classification Sherloc (09022015). Collection method: clinical testing. Allele origin: germline.
Comment: This sequence change replaces arginine, which is basic and polar, with tryptophan, which is neutral and slightly polar, at codon 469 of the ACAD9 protein (p.Arg469Trp). This variant is present in population databases (rs139145143, gnomAD 0.07%). This missense change has been observed in individuals with clinical features of mitochondrial complex I deficiency (PMID: 20929961, 30025539; internal data). ClinVar contains an entry for this variant (Variation ID: 214007). Invitae Evidence Modeling of protein sequence and biophysical properties (such as structural, functional, and spatial information, amino acid conservation, physicochemical variation, residue mobility, and thermodynamic stability) indicates that this missense variant is not expected to disrupt ACAD9 protein function with a negative predictive value of 80%. Experimental studies have shown that this missense change affects ACAD9 function (PMID: 25721401). In summary, the currently available evidence indicates that the variant is pathogenic, but additional data are needed to prove that conclusively. Therefore, this variant has been classified as Likely Pathogenic.

Dasa
Classification: Uncertain significance. Last evaluated: 2025-11-26. Review status: criteria provided, single submitter. Criteria: DASA Assertion Criteria. Collection method: clinical testing. Allele origin: germline.
Comment: NM_014049.5(ACAD9):c.1405C>T (p.Arg469Trp) is a missense variant that results in the substitution of arginine with tryptophan. This variant has been recurrently observed in individuals with ACAD9-related disorders (PMID: 30025539; PMID: 33532864; PMID: 34646991; PMID: 40149952). Functional evidence supports an impact on the gene or gene product (PMID: 30025539; PMID: 33532864; PMID: 34646991; PMID: 40149952). Also, this variant is rare in population databases. The currently available literature and clinical evidence are not sufficient to establish a definitive association between this variant and the reported condition. Therefore, this variant is classified as a variant of uncertain significance.

Mayo Clinic Laboratories, Mayo Clinic
Classification: Uncertain significance. Last evaluated: 2025-09-15. Review status: criteria provided, single submitter. Criteria: ACMG Guidelines, 2015. Collection method: clinical testing. Allele origin: germline. Observed: 6 variant alleles.

Women's Health and Genetics/Laboratory Corporation of America, LabCorp
Classification: Uncertain significance. Last evaluated: 2025-05-16. Review status: criteria provided, single submitter. Criteria: LabCorp Variant Classification Summary - May 2015. Collection method: clinical testing. Allele origin: germline.
Comment: Variant summary: ACAD9 c.1405C>T (p.Arg469Trp) results in a non-conservative amino acid change in the encoded protein sequence. Algorithms developed to predict the effect of missense changes on protein structure and function are either unavailable or do not agree on the potential impact of this missense change. The variant allele was found at a frequency of 0.0004 in 251318 control chromosomes. This frequency is not significantly higher than estimated for a pathogenic variant in ACAD9 causing Mitochondrial Complex I Deficiency, Nuclear Type 20 (0.0004 vs 0.0011), allowing no conclusion about variant significance. c.1405C>T has been observed in individual(s) affected with Mitochondrial Complex I Deficiency (Gerards_2011, Repp_2018, internal data). These data indicate that the variant may be associated with disease. At least one publication reports experimental evidence evaluating an impact on protein function and showed the variant to have mildly decreased activity (about 80% of normal activity; Schiff_2015). The following publications have been ascertained in the context of this evaluation (PMID: 20929961, 30025539, 25721401, NO_PMID). ClinVar contains an entry for this variant (Variation ID: 214007). Based on the evidence outlined above, the variant was classified as VUS-possibly pathogenic.

First Genomix Gene Laboratory, Genetic Diagnostics Department
Classification: Likely pathogenic for Acyl-CoA dehydrogenase 9 deficiency. Last evaluated: 2025-05-07. Review status: criteria provided, single submitter. Criteria: ACMG Guidelines, 2015. Collection method: clinical testing. Allele origin: germline. Inheritance: Autosomal recessive inheritance. Affected: no. Observed: 1 variant allele.

Blueprint Genetics
Classification: Likely benign. Last evaluated: 2024-11-25. Review status: criteria provided, single submitter. Criteria: ACMG Guidelines, 2015. Collection method: clinical testing. Allele origin: germline.

CeGaT Center for Human Genetics Tuebingen
Classification: Uncertain significance. Last evaluated: 2024-01-01. Review status: criteria provided, single submitter. Criteria: CeGaT Center For Human Genetics Tuebingen Variant Classification Criteria Version 2. Collection method: clinical testing. Allele origin: germline. Affected: yes. Observed: 2 variant alleles.
Comment: ACAD9: PM2, PS3:Supporting

Department of Pathology and Laboratory Medicine, Sinai Health System
Classification: Uncertain significance for acyl-CoA dehydrogenase 9 deficiency. Last evaluated: 2022-01-25. Review status: criteria provided, single submitter. Criteria: ACMG Guidelines, 2015. Collection method: research. Allele origin: germline.

Fulgent Genetics
Classification: Uncertain significance for Acyl-CoA dehydrogenase 9 deficiency. Last evaluated: 2018-10-31. Review status: criteria provided, single submitter. Criteria: ACMG Guidelines, 2015. Collection method: clinical testing. Allele origin: unknown.

Eurofins Ntd Llc (ga)
Classification: Uncertain significance. Last evaluated: 2016-08-11. Review status: criteria provided, single submitter. Criteria: EGL Classification Definitions 2015. Collection method: clinical testing. Allele origin: germline. Observed: 1 variant allele, 1 heterozygote.

Clinical Genetics DNA and cytogenetics Diagnostics Lab, Erasmus MC, Erasmus Medical Center
Classification: Likely benign. Review status: no assertion criteria provided. Collection method: clinical testing. Allele origin: germline. Affected: yes. Study: VKGL Data-share Consensus. Not counted in ClinVar's aggregate classification.

Diagnostic Laboratory, Department of Genetics, University Medical Center Groningen
Classification: Likely benign. Review status: no assertion criteria provided. Collection method: clinical testing. Allele origin: germline. Affected: yes. Study: VKGL Data-share Consensus. Not counted in ClinVar's aggregate classification.

Literature cited by the submitters: PubMed 20929961 (cited by 3 submitters); PubMed 30025539 (cited by 4 submitters); PubMed 25721401 (cited by 3 submitters); PubMed 33532864 (cited by Dasa); PubMed 34646991 (cited by Dasa and Mayo Clinic Laboratories, Mayo Clinic); PubMed 40149952 (cited by Dasa); PubMed 21680271 (cited by Mayo Clinic Laboratories, Mayo Clinic); PubMed 21924235 (cited by Mayo Clinic Laboratories, Mayo Clinic); PubMed 23996478 (cited by Mayo Clinic Laboratories, Mayo Clinic).